The following is an entry in ClinVar:

ClinVar aggregate classification (germline): Uncertain significance. Review status: criteria provided, multiple submitters, no conflicts (2 of 4 stars). 2 submissions from 2 submitters: Uncertain significance (2). Last evaluated 2025-04-18.

Conditions:
Chondrosarcoma. Also called: Chondrosarcoma, somatic. Identifiers: Orphanet 55880, MedGen C0008479, MONDO:0008977, OMIM 215300, HP:0006765.
Exostoses, multiple, type 1 (EXT1). Also called: Hereditary Multiple Osteochondromatosis, Type I; EXOSTOSES, MULTIPLE, TYPE I. Identifiers: MedGen CN263289, MONDO:0007585, OMIM 133700.
Multiple congenital exostosis (EXT). Also called: Multiple exostoses; Hereditary multiple exostoses; Hereditary multiple exostosis; Hereditary multiple osteochondromas; MULTIPLE CARTILAGINOUS EXOSTOSES; Multiple osteochondromas. Identifiers: Orphanet 321, MedGen C0015306, MONDO:0005508, HP:0002762.

gnomAD v4.1: 6 of 1,614,206 alleles (0.00037%); highest among the groups gnomAD compares: East Asian, 0.013%; no homozygotes.

Submissions (2):

Labcorp Genetics (formerly Invitae), Labcorp
Classification: Uncertain significance for Multiple congenital exostosis. Last evaluated: 2025-04-18. Review status: criteria provided, single submitter. Criteria: Invitae Variant Classification Sherloc (09022015). Collection method: clinical testing. Allele origin: germline.
Comment: This sequence change replaces lysine, which is basic and polar, with asparagine, which is neutral and polar, at codon 115 of the EXT1 protein (p.Lys115Asn). This variant is present in population databases (rs201368821, gnomAD 0.03%). This variant has not been reported in the literature in individuals affected with EXT1-related conditions. ClinVar contains an entry for this variant (Variation ID: 3595046). Invitae Evidence Modeling of protein sequence and biophysical properties (such as structural, functional, and spatial information, amino acid conservation, physicochemical variation, residue mobility, and thermodynamic stability) indicates that this missense variant is expected to disrupt EXT1 protein function with a positive predictive value of 80%. In summary, the available evidence is currently insufficient to determine the role of this variant in disease. Therefore, it has been classified as a Variant of Uncertain Significance.

Fulgent Genetics
Classification: Uncertain significance for Exostoses, multiple, type 1; Chondrosarcoma. Last evaluated: 2024-02-28. Review status: criteria provided, single submitter. Criteria: ACMG Guidelines, 2015. Collection method: clinical testing. Allele origin: germline.

NM_000127.3(EXT1):c.345A>C (p.Lys115Asn)

Gene: EXT1 (exostosin glycosyltransferase 1; minus strand). Cytogenetic location: 8q24.11.
Variant type: single nucleotide variant.
Coding change: c.345A>C on transcript NM_000127.3 (MANE Select); coding-DNA position 345, A replaced by C.
Protein change: p.Lys115Asn; replaces lysine 115 with asparagine.
Molecular consequence: missense variant.
Genome position (GRCh38, 1-based): chr8:118,110,702, T>G on the plus strand (A>C on the coding strand, the complement: EXT1 is on the minus strand). VCF-style: chr8-118110702-T-G. GRCh37 (hg19) VCF-style: chr8-119122941-T-G.
Other names: short protein forms K115N.
Identifiers: ClinVar variation 3595046 (VCV003595046.2).